The following is an entry in ClinVar:

NM_183357.3(ADCY5):c.1646+1G>A

Gene: ADCY5 (adenylate cyclase 5; minus strand). Cytogenetic location: 3q21.1.
Variant type: single nucleotide variant.
Coding change: c.1646+1G>A on transcript NM_183357.3 (MANE Select); the canonical splice donor site of the intron after coding-DNA position 1646, G replaced by A.
Molecular consequence: splice donor variant.
Genome position (GRCh38, 1-based): chr3:123,330,888, C>T on the plus strand (G>A on the coding strand, the complement: ADCY5 is on the minus strand). VCF-style: chr3-123330888-C-T. GRCh37 (hg19) VCF-style: chr3-123049735-C-T.
Other names: c.1646+1G>A (NM_001378259.1); c.596+1G>A (NM_001199642.1).
Identifiers: ClinVar variation 522100 (VCV000522100.5), dbSNP rs746547282, ClinGen allele CA2577423.

ClinVar aggregate classification (germline): Conflicting classifications of pathogenicity. Review status: criteria provided, conflicting classifications (1 of 4 stars). 2 submissions from 2 submitters: Likely pathogenic (1); Uncertain significance (1). Last evaluated 2025-03-13.

Conditions:
Inborn genetic diseases. Identifiers: MedGen C0950123, MeSH D030342.

Allele frequency attached by ClinVar (database versions not stated): gnomAD exomes below 0.00001; ExAC 0.00001; gnomAD 0.00001.
gnomAD v4.1: 4 of 1,609,112 alleles (0.00025%); highest among the groups gnomAD compares: Middle Eastern, 0.017%; no homozygotes.

Submissions (2):

GeneDx
Classification: Uncertain significance. Last evaluated: 2025-03-13. Review status: criteria provided, single submitter. Criteria: GeneDx Variant Classification Process June 2021. Collection method: clinical testing. Allele origin: germline. Affected: yes.
Comment: Canonical splice site variant predicted to result in a null allele in a gene for which loss of function is a known mechanism of disease; Has not been previously published as pathogenic or benign to our knowledge

Ambry Genetics
Classification: Likely pathogenic for Inborn genetic diseases. Last evaluated: 2017-10-03. Review status: criteria provided, single submitter. Criteria: Ambry exome assertion method (8-5-2015). Collection method: clinical testing. Allele origin: germline. Affected: yes. Observed: 1 variant allele.